The following is an entry in ClinVar:

NM_000379.4(XDH):c.1885G>C (p.Val629Leu)

Gene: XDH (xanthine dehydrogenase; minus strand). Cytogenetic location: 2p23.1.
Variant type: single nucleotide variant.
Coding change: c.1885G>C on transcript NM_000379.4 (MANE Select); coding-DNA position 1885, G replaced by C.
Protein change: p.Val629Leu; replaces valine 629 with leucine.
Molecular consequence: missense variant.
Genome position (GRCh38, 1-based): chr2:31,370,450, C>G on the plus strand (G>C on the coding strand, the complement: XDH is on the minus strand). VCF-style: chr2-31370450-C-G. GRCh37 (hg19) VCF-style: chr2-31593316-C-G.
Other names: short protein forms V629L.
Identifiers: ClinVar variation 4800646 (VCV004800646.1).

ClinVar aggregate classification (germline): Uncertain significance (1 of 4 stars; one submission).

Conditions:
Xanthinuria type II. Also called: Xanthine dehydrogenase and aldehyde oxidase combined deficiency of; XDH and AOX dual deficiency. Identifiers: Orphanet 3467, Orphanet 93602, MedGen C1863688, MONDO:0011346, OMIM 603592.

gnomAD v4.1: 25 of 1,614,060 alleles (0.0015%); highest among the groups gnomAD compares: Middle Eastern, 0.016%; no homozygotes.

Submission:

Labcorp Genetics (formerly Invitae), Labcorp
Classification: Uncertain significance for Xanthinuria type II. Last evaluated: 2025-02-26. Review status: criteria provided, single submitter. Criteria: Invitae Variant Classification Sherloc (09022015). Collection method: clinical testing. Allele origin: germline.
Comment: This sequence change replaces valine, which is neutral and non-polar, with leucine, which is neutral and non-polar, at codon 629 of the XDH protein (p.Val629Leu). This variant is present in population databases (rs148464316, gnomAD 0.005%). This variant has not been reported in the literature in individuals affected with XDH-related conditions. An algorithm developed to predict the effect of missense changes on protein structure and function (PolyPhen-2) suggests that this variant is likely to be tolerated. In summary, the available evidence is currently insufficient to determine the role of this variant in disease. Therefore, it has been classified as a Variant of Uncertain Significance.